The following is an entry in ClinVar:

NM_024577.4(SH3TC2):c.798T>G (p.Tyr266Ter)

Gene: SH3TC2 (SH3 domain and tetratricopeptide repeats 2; minus strand). Cytogenetic location: 5q32.
Variant type: single nucleotide variant.
Coding change: c.798T>G on transcript NM_024577.4 (MANE Select); coding-DNA position 798, T replaced by G.
Protein change: p.Tyr266Ter; replaces tyrosine 266 with a stop codon.
Molecular consequence: nonsense.
Genome position (GRCh38, 1-based): chr5:149,040,611, A>C on the plus strand (T>G on the coding strand, the complement: SH3TC2 is on the minus strand). VCF-style: chr5-149040611-A-C. GRCh37 (hg19) VCF-style: chr5-148420174-A-C.
Other names: short protein forms Y266*.
Identifiers: ClinVar variation 1162982 (VCV001162982.12), dbSNP rs377509077, ClinGen allele CA361673842.

ClinVar aggregate classification (germline): Pathogenic. Review status: criteria provided, multiple submitters, no conflicts (2 of 4 stars). 2 submissions from 2 submitters: Pathogenic (2). Last evaluated 2025-04-30.

Conditions:
Charcot-Marie-Tooth disease type 4. Also called: Charcot-Marie-Tooth, Type 4; Charcot-Marie-Tooth disease, type IV. Identifiers: Orphanet 64749, MedGen C4082197, MONDO:0018995.

Allele frequency attached by ClinVar (database versions not stated): gnomAD 0.00001.

Submissions (2):

Labcorp Genetics (formerly Invitae), Labcorp
Classification: Pathogenic for Charcot-Marie-Tooth disease type 4. Last evaluated: 2025-04-30. Review status: criteria provided, single submitter. Criteria: Invitae Variant Classification Sherloc (09022015). Collection method: clinical testing. Allele origin: germline.
Comment: This sequence change creates a premature translational stop signal (p.Tyr266*) in the SH3TC2 gene. It is expected to result in an absent or disrupted protein product. Loss-of-function variants in SH3TC2 are known to be pathogenic (PMID: 20220177, 27068304). This variant is present in population databases (no rsID available, gnomAD 0.007%). This premature translational stop signal has been observed in individuals with Charcot-Marie-Tooth disease (PMID: 30001926). ClinVar contains an entry for this variant (Variation ID: 1162982). Algorithms developed to predict the effect of sequence changes on RNA splicing suggest that this variant may disrupt the consensus splice site. For these reasons, this variant has been classified as Pathogenic.

Mayo Clinic Laboratories, Mayo Clinic
Classification: Pathogenic. Last evaluated: 2019-08-26. Review status: criteria provided, single submitter. Criteria: ACMG Guidelines, 2015. Collection method: clinical testing. Allele origin: germline. Observed: 1 variant allele.
Comment: PVS1, PS4_moderate, PM2

Literature cited by the submitters: PubMed 20220177 (cited by Labcorp Genetics (formerly Invitae), Labcorp); PubMed 27068304 (cited by Labcorp Genetics (formerly Invitae), Labcorp); PubMed 30001926 (cited by Labcorp Genetics (formerly Invitae), Labcorp and Mayo Clinic Laboratories, Mayo Clinic).